The following is an entry in ClinVar:

ClinVar aggregate classification (germline): Likely benign. Review status: criteria provided, multiple submitters, no conflicts (2 of 4 stars). 2 submissions from 2 submitters: Likely benign (2). Last evaluated 2025-11-07.

Conditions:
IFT74-related disorder. Also called: IFT74-related condition; IFT74-Related Disorders.

Submissions (2):

PreventionGenetics, part of Exact Sciences
Classification: Likely benign for IFT74-related condition. Last evaluated: 2025-11-07. Review status: criteria provided, single submitter. Criteria: ACMG Guidelines, 2015. Collection method: clinical testing. Allele origin: germline.
Comment: This variant is classified as likely benign based on ACMG/AMP sequence variant interpretation guidelines (Richards et al. 2015 PMID: 25741868, with internal and published modifications).

Labcorp Genetics (formerly Invitae), Labcorp
Classification: Likely benign. Last evaluated: 2024-06-14. Review status: criteria provided, single submitter. Criteria: Invitae Variant Classification Sherloc (09022015). Collection method: clinical testing. Allele origin: germline.

NM_025103.4(IFT74):c.1440T>C (p.Asp480=)

Gene: IFT74 (intraflagellar transport 74; plus strand). Cytogenetic location: 9p21.2.
Variant type: single nucleotide variant.
Coding change: c.1440T>C on transcript NM_025103.4 (MANE Select); coding-DNA position 1440, T replaced by C.
Protein change: p.Asp480=; no amino-acid change (aspartic acid 480 retained).
Molecular consequence: synonymous variant.
Genome position (GRCh38, 1-based): chr9:27,055,715, T>C. VCF-style: chr9-27055715-T-C. GRCh37 (hg19) VCF-style: chr9-27055713-T-C.
Other names: c.1440T>C, p.Asp480= (NM_001099222.3, NM_001099223.3, NM_001349928.2); c.1440T>C (NM_025103.2).
Identifiers: ClinVar variation 3687180 (VCV003687180.3).
Genomic context (GRCh38, chr9:27,055,715, plus strand): 5'-AAGTAAGATGACTGAAGAACAGCATTCTCTAAAAAGCAAAATTAAGCAAATGACAACTGA[T>C]CTGGAGATATATAATGATTTGCCAGCTTTAAAATCATCAGGTGAAGAAAAGATAAAGGTA-3'
Protein context (NP_079379.2, residues 470-490): LKSKIKQMTT[Asp480=]LEIYNDLPAL